The following is an entry in ClinVar:

ClinVar aggregate classification (germline): Uncertain significance. Review status: criteria provided, multiple submitters, no conflicts (2 of 4 stars). 3 submissions from 3 submitters: Uncertain significance (3). Last evaluated 2024-06-19.

Allele frequency attached by ClinVar (database versions not stated): TOPMed 0.00001; gnomAD 0.00002; gnomAD exomes 0.00005 and 0.00010; ExAC 0.00014.
gnomAD v4.1: 80 of 1,601,302 alleles (0.005%); highest among the groups gnomAD compares: South Asian, 0.076%; no homozygotes.

Submissions (3):

Blueprint Genetics
Classification: Uncertain significance. Last evaluated: 2024-06-19. Review status: criteria provided, single submitter. Criteria: ACMG Guidelines, 2015. Collection method: clinical testing. Allele origin: germline.

GeneDx
Classification: Uncertain significance. Last evaluated: 2022-09-02. Review status: criteria provided, single submitter. Criteria: GeneDx Variant Classification Process June 2021. Collection method: clinical testing. Allele origin: germline. Affected: yes.
Comment: Has not been previously published as pathogenic or benign to our knowledge; In silico analysis supports that this missense variant has a deleterious effect on protein structure/function

Labcorp Genetics (formerly Invitae), Labcorp
Classification: Uncertain significance. Last evaluated: 2022-06-30. Review status: criteria provided, single submitter. Criteria: Invitae Variant Classification Sherloc (09022015). Collection method: clinical testing. Allele origin: germline.
Comment: This sequence change replaces arginine, which is basic and polar, with cysteine, which is neutral and slightly polar, at codon 175 of the MICU1 protein (p.Arg175Cys). This variant is present in population databases (rs754124319, gnomAD 0.08%). This variant has not been reported in the literature in individuals affected with MICU1-related conditions. ClinVar contains an entry for this variant (Variation ID: 1473493). Algorithms developed to predict the effect of missense changes on protein structure and function are either unavailable or do not agree on the potential impact of this missense change (SIFT: "Deleterious"; PolyPhen-2: "Not Available"; Align-GVGD: "Class C15"). In summary, the available evidence is currently insufficient to determine the role of this variant in disease. Therefore, it has been classified as a Variant of Uncertain Significance.

NM_001195518.2(MICU1):c.523C>T (p.Arg175Cys)

Gene: MICU1 (mitochondrial calcium uptake 1; minus strand). Cytogenetic location: 10q22.1.
Variant type: single nucleotide variant.
Coding change: c.523C>T on transcript NM_001195518.2 (MANE Select); coding-DNA position 523, C replaced by T.
Protein change: p.Arg175Cys; replaces arginine 175 with cysteine.
Molecular consequence: missense variant.
Genome position (GRCh38, 1-based): chr10:72,533,760, G>A on the plus strand (C>T on the coding strand, the complement: MICU1 is on the minus strand). VCF-style: chr10-72533760-G-A. GRCh37 (hg19) VCF-style: chr10-74293518-G-A.
Other names: c.523C>T, p.Arg175Cys (NM_001363513.2, NM_006077.4); short protein forms R175C.
Identifiers: ClinVar variation 1473493 (VCV001473493.6), dbSNP rs754124319, ClinGen allele CA5550250.